The following is an entry in ClinVar:

NM_022114.4(PRDM16):c.2161T>A (p.Tyr721Asn)

Gene: PRDM16 (PR/SET domain 16; plus strand). Cytogenetic location: 1p36.32.
Variant type: single nucleotide variant.
Coding change: c.2161T>A on transcript NM_022114.4 (MANE Select); coding-DNA position 2161, T replaced by A.
Protein change: p.Tyr721Asn; replaces tyrosine 721 with asparagine.
Molecular consequence: missense variant.
Genome position (GRCh38, 1-based): chr1:3,412,358, T>A. VCF-style: chr1-3412358-T-A. GRCh37 (hg19) VCF-style: chr1-3328922-T-A.
Other names: c.2161T>A, p.Tyr721Asn (NM_199454.3); short protein forms Y721N.
Identifiers: ClinVar variation 1055969 (VCV001055969.9), dbSNP rs2100664195, ClinGen allele CA337999800.

ClinVar aggregate classification (germline): Uncertain significance (1 of 4 stars; one submission).

Conditions:
Left ventricular noncompaction 8 (LVNC8). Identifiers: Orphanet 154, Orphanet 54260, MedGen C3809288, MONDO:0014152, OMIM 615373.

Allele frequency attached by ClinVar (database versions not stated): gnomAD exomes below 0.00001.
gnomAD v4.1: 1 of 1,613,594 alleles (0.000062%); highest among the groups gnomAD compares: Non-Finnish European, 0.000085%; no homozygotes.

Submission:

Labcorp Genetics (formerly Invitae), Labcorp
Classification: Uncertain significance for Left ventricular noncompaction 8. Last evaluated: 2020-05-14. Review status: criteria provided, single submitter. Criteria: Invitae Variant Classification Sherloc (09022015). Collection method: clinical testing. Allele origin: germline.
Comment: In summary, the available evidence is currently insufficient to determine the role of this variant in disease. Therefore, it has been classified as a Variant of Uncertain Significance. Algorithms developed to predict the effect of missense changes on protein structure and function (SIFT, PolyPhen-2, Align-GVGD) all suggest that this variant is likely to be disruptive, but these predictions have not been confirmed by published functional studies and their clinical significance is uncertain. This variant has not been reported in the literature in individuals with PRDM16-related conditions. This variant is not present in population databases (ExAC no frequency). This sequence change replaces tyrosine with asparagine at codon 721 of the PRDM16 protein (p.Tyr721Asn). The tyrosine residue is highly conserved and there is a large physicochemical difference between tyrosine and asparagine.